The following is an entry in ClinVar:

ClinVar aggregate classification (germline): Uncertain significance (1 of 4 stars; one submission).

gnomAD v4.1: 6 of 1,614,222 alleles (0.00037%); highest among the groups gnomAD compares: Admixed American, 0.0017%; no homozygotes.

Submission:

Women's Health and Genetics/Laboratory Corporation of America, LabCorp
Classification: Uncertain significance. Last evaluated: 2023-09-13. Review status: criteria provided, single submitter. Criteria: LabCorp Variant Classification Summary - May 2015. Collection method: clinical testing. Allele origin: germline.
Comment: Variant summary: LHX4 c.300G>C (p.Gln100His) results in a non-conservative amino acid change located in a Zinc finger, LIM-type domain (IPR001781) of the encoded protein sequence. Three of five in-silico tools predict a damaging effect of the variant on protein function. The variant allele was found at a frequency of 4e-06 in 251406 control chromosomes. c.300G>C has not been reported in the literature in individuals affected with Short Stature-Pituitary And Cerebellar Defects-Small Sella Turcica Syndrome, but a different nucleotide change resulting in the same missense alteration (c.300G>T; p.Gln100His) has been reported in the heterozygous state in one individual with multiple hormone deficiencies and septo-optic dysplasia (Vishnopolska_2021). This report does not provide unequivocal conclusions about association of the variant with Short Stature-Pituitary And Cerebellar Defects-Small Sella Turcica Syndrome. At least one publication reports experimental evidence evaluating an impact of p.Gln100His on protein function (Vishnopolska_2021). The most pronounced variant effect results in approximately 50% of normal transactivation activity in vitro. The following publication has been ascertained in the context of this evaluation (PMID: 33729509). No submitters have cited clinical-significance assessments for this variant to ClinVar after 2014. Based on the evidence outlined above, the variant was classified as VUS-possibly pathogenic.

Literature cited by the submitters: PubMed 33729509.

NM_033343.4(LHX4):c.300G>C (p.Gln100His)

Gene: LHX4 (LIM homeobox 4; plus strand). Cytogenetic location: 1q25.2.
Variant type: single nucleotide variant.
Coding change: c.300G>C on transcript NM_033343.4 (MANE Select); coding-DNA position 300, G replaced by C.
Protein change: p.Gln100His; replaces glutamine 100 with histidine.
Molecular consequence: missense variant.
Genome position (GRCh38, 1-based): chr1:180,266,443, G>C. VCF-style: chr1-180266443-G-C. GRCh37 (hg19) VCF-style: chr1-180235578-G-C.
Other names: short protein forms Q100H.
Identifiers: ClinVar variation 2627224 (VCV002627224.1), dbSNP rs1156273617, ClinGen allele CA343595511.